The following is an entry in ClinVar:

ClinVar aggregate classification (germline): Uncertain significance (1 of 4 stars; one submission).

Conditions:
Inborn genetic diseases. Identifiers: MedGen C0950123, MeSH D030342.

gnomAD v4.1: 8 of 1,614,058 alleles (0.0005%); highest among the groups gnomAD compares: South Asian, 0.0011%; no homozygotes.

Submission:

Ambry Genetics
Classification: Uncertain significance for Inborn genetic diseases. Last evaluated: 2025-04-28. Review status: criteria provided, single submitter. Criteria: Ambry Variant Classification Scheme 2023. Collection method: clinical testing. Allele origin: germline.
Comment: The p.T823A variant (also known as c.2467A>G), located in coding exon 12 of the BMPR2 gene, results from an A to G substitution at nucleotide position 2467. The threonine at codon 823 is replaced by alanine, an amino acid with similar properties. This amino acid position is conserved. In addition, this alteration is predicted to be tolerated by in silico analysis. Based on the available evidence, the clinical significance of this variant remains unclear.

NM_001204.7(BMPR2):c.2467A>G (p.Thr823Ala)

Gene: BMPR2 (bone morphogenetic protein receptor type 2; plus strand). Cytogenetic location: 2q33.2.
Variant type: single nucleotide variant.
Coding change: c.2467A>G on transcript NM_001204.7 (MANE Select); coding-DNA position 2467, A replaced by G.
Protein change: p.Thr823Ala; replaces threonine 823 with alanine.
Molecular consequence: missense variant.
Genome position (GRCh38, 1-based): chr2:202,556,132, A>G. VCF-style: chr2-202556132-A-G. GRCh37 (hg19) VCF-style: chr2-203420855-A-G.
Other names: short protein forms T823A.
Identifiers: ClinVar variation 3992137 (VCV003992137.1).